The following is an entry in ClinVar:

NM_139027.6(ADAMTS13):c.435C>A (p.Ala145=)

Gene: ADAMTS13 (ADAM metallopeptidase with thrombospondin type 1 motif 13; plus strand). Cytogenetic location: 9q34.2.
Variant type: single nucleotide variant.
Coding change: c.435C>A on transcript NM_139027.6 (MANE Select); coding-DNA position 435, C replaced by A.
Protein change: p.Ala145=; no amino-acid change (alanine 145 retained).
Molecular consequence: synonymous variant. On other transcripts: non-coding transcript variant (1).
Genome position (GRCh38, 1-based): chr9:133,425,958, C>A. VCF-style: chr9-133425958-C-A. GRCh37 (hg19) VCF-style: chr9-136291078-C-A.
Other names: c.435C>A, p.Ala145= (NM_139025.5, NM_139026.6).
Identifiers: ClinVar variation 3058565 (VCV003058565.2), dbSNP rs149175416, ClinGen allele CA200921865.

ClinVar aggregate classification (germline): Likely benign (0 of 4 stars; one submission).

Conditions:
ADAMTS13-related disorder. Also called: ADAMTS13-related condition.

Allele frequency attached by ClinVar (database versions not stated): gnomAD exomes below 0.00001.
gnomAD v4.1: 1 of 1,613,768 alleles (0.000062%); highest among the groups gnomAD compares: Non-Finnish European, 0.000085%; no homozygotes.

Submission:

PreventionGenetics, part of Exact Sciences
Classification: Likely benign for ADAMTS13-related condition. Last evaluated: 2019-02-22. Review status: no assertion criteria provided. Collection method: clinical testing. Allele origin: germline.
Comment: This variant is classified as likely benign based on ACMG/AMP sequence variant interpretation guidelines (Richards et al. 2015 PMID: 25741868, with internal and published modifications).